The following is an entry in ClinVar:

NM_001130987.2(DYSF):c.4862del (p.Ile1621fs)

Gene: DYSF (dysferlin; plus strand). Cytogenetic location: 2p13.2.
Variant type: Deletion.
Coding change: c.4862del on transcript NM_001130987.2 (MANE Select); coding-DNA position 4862, one base deleted (T; older notation c.4862delT).
Protein change: p.Ile1621fs; shifts the reading frame from isoleucine 1621.
Molecular consequence: frameshift variant.
Genome position (GRCh38, 1-based): chr2:71,658,984, T deleted. VCF-style (leftmost placement, unchanged base first): chr2-71658983-AT-A. GRCh37 (hg19) VCF-style: chr2-71886113-AT-A.
Other names: c.4748del, p.Ile1583fs (NM_001130455.2); c.4703del, p.Ile1568fs (NM_001130976.2); c.4766del, p.Ile1589fs (NM_001130977.2); c.4808del, p.Ile1603fs (NM_001130978.2); c.4838del, p.Ile1613fs (NM_001130979.2); c.4796del, p.Ile1599fs (NM_001130980.2); c.4859del, p.Ile1620fs (NM_001130981.2); c.4841del, p.Ile1614fs (NM_001130982.2); and 5 more; short protein forms I1568fs, I1583fs, I1599fs, I1582fs, I1590fs, I1603fs, I1604fs, I1613fs.
Identifiers: ClinVar variation 2133989 (VCV002133989.4), dbSNP rs2546494827, ClinGen allele CA2580067892.
Genomic context (GRCh38, chr2:71,658,983, plus strand): 5'-ATGCCCCCAAGACAGTTCCACCAGCTGGCCGCCCAGGGACCCCAGGAGTGCTTGGTCCGT[AT>A]CTACATTGTCCGAGCATTTGGCCTGCAGCCCAAGGACCCCAATGGAAAGGTAACTTTCCT-3'

ClinVar aggregate classification (germline): Pathogenic (1 of 4 stars; one submission).

Conditions:
Neuromuscular disease caused by qualitative or quantitative defects of dysferlin. Also called: Dysferlinopathy; Qualitative or quantitative defects of dysferlin. Identifiers: Orphanet 207073, MedGen C2931687, MONDO:0016145.

Submission:

Labcorp Genetics (formerly Invitae), Labcorp
Classification: Pathogenic for Neuromuscular disease caused by qualitative or quantitative defects of dysferlin. Last evaluated: 2022-05-05. Review status: criteria provided, single submitter. Criteria: Invitae Variant Classification Sherloc (09022015). Collection method: clinical testing. Allele origin: germline.
Comment: For these reasons, this variant has been classified as Pathogenic. This variant has not been reported in the literature in individuals affected with DYSF-related conditions. This variant is not present in population databases (gnomAD no frequency). This sequence change creates a premature translational stop signal (p.Ile1582Thrfs*26) in the DYSF gene. It is expected to result in an absent or disrupted protein product. Loss-of-function variants in DYSF are known to be pathogenic (PMID: 17698709, 20301480).

Literature cited by the submitters: PubMed 17698709; PubMed 20301480.